The following is an entry in ClinVar:

ClinVar aggregate classification (germline): Uncertain significance (1 of 4 stars; one submission).

Conditions:
Oto-palato-digital syndrome, type II (OPD2). Also called: FACIOPALATOOSSEOUS SYNDROME; OPD II SYNDROME; Otopalatodigital Syndrome, Type II; Otopalatodigital Syndrome Type 2 (FLNA-OPD2). Identifiers: Orphanet 669, Orphanet 90652, MedGen C1844696, MONDO:0010571, OMIM 304120.
Heterotopia, periventricular, X-linked dominant (PVNH1). Also called: PERIVENTRICULAR NODULAR HETEROTOPIA 1; X-linked periventricular heterotopia; PERIVENTRICULAR NODULAR HETEROTOPIA 4; HETEROTOPIA, PERIVENTRICULAR, 1. Identifiers: Orphanet 2149, Orphanet 82004, MedGen C1848213, MONDO:0010233, OMIM 300049.
Frontometaphyseal dysplasia (FMD1). Identifiers: Orphanet 1826, MedGen C0265293, MONDO:0015942.
Melnick-Needles syndrome (MNS). Also called: MELNICK-NEEDLES OSTEODYSPLASTY; OSTEODYSPLASTY OF MELNICK AND NEEDLES; Melnick-Needles Syndrome (FLNA-MNS). Identifiers: Orphanet 2484, MedGen C0025237, MONDO:0010650, OMIM 309350.

Submission:

Labcorp Genetics (formerly Invitae), Labcorp
Classification: Uncertain significance for Oto-palato-digital syndrome, type II; Heterotopia, periventricular, X-linked dominant; Frontometaphyseal dysplasia; Melnick-Needles syndrome. Last evaluated: 2025-11-13. Review status: criteria provided, single submitter. Criteria: Invitae Variant Classification Sherloc (09022015). Collection method: clinical testing. Allele origin: germline.
Comment: This sequence change replaces methionine, which is neutral and non-polar, with leucine, which is neutral and non-polar, at codon 1950 of the FLNA protein (p.Met1950Leu). This variant is not present in population databases (gnomAD no frequency). This variant has not been reported in the literature in individuals affected with FLNA-related conditions. ClinVar contains an entry for this variant (Variation ID: 2932281). Invitae Evidence Modeling of protein sequence and biophysical properties (such as structural, functional, and spatial information, amino acid conservation, physicochemical variation, residue mobility, and thermodynamic stability) indicates that this missense variant is not expected to disrupt FLNA protein function with a negative predictive value of 95%. In summary, the available evidence is currently insufficient to determine the role of this variant in disease. Therefore, it has been classified as a Variant of Uncertain Significance.

NM_001110556.2(FLNA):c.5872A>C (p.Met1958Leu)

Gene: FLNA (filamin A; minus strand). Cytogenetic location: Xq28.
Variant type: single nucleotide variant.
Coding change: c.5872A>C on transcript NM_001110556.2 (MANE Select); coding-DNA position 5872, A replaced by C.
Protein change: p.Met1958Leu; replaces methionine 1958 with leucine.
Molecular consequence: missense variant.
Genome position (GRCh38, 1-based): chrX:154,353,446, T>G on the plus strand (A>C on the coding strand, the complement: FLNA is on the minus strand). VCF-style: chrX-154353446-T-G. GRCh37 (hg19) VCF-style: chrX-153581814-T-G.
Other names: c.5848A>C, p.Met1950Leu (NM_001456.4); short protein forms M1958L, M1950L.
Identifiers: ClinVar variation 2932281 (VCV002932281.3), dbSNP rs1569551491, ClinGen allele CA415198374.